The following is an entry in ClinVar:

ClinVar aggregate classification (germline): Likely benign (1 of 4 stars; one submission).

Submission:

CeGaT Center for Human Genetics Tuebingen
Classification: Likely benign. Last evaluated: 2026-05-01. Review status: criteria provided, single submitter. Criteria: CeGaT Center For Human Genetics Tuebingen Variant Classification Criteria Version 2. Collection method: clinical testing. Allele origin: germline. Affected: yes. Observed: 8 variant alleles.
Comment: MAGEA6: PM2:Supporting, BP4, BP7

NM_005363.5(MAGEA6):c.309T>C (p.Ser103=)

Gene: MAGEA6 (MAGE family member A6). Cytogenetic location: Xq28.
Variant type: single nucleotide variant.
Coding change: c.309T>C on transcript NM_005363.5 (MANE Select); coding-DNA position 309, T replaced by C.
Protein change: p.Ser103=; no amino-acid change (serine 103 retained).
Molecular consequence: synonymous variant.
Genome position (GRCh38, 1-based): chrX:152,767,342, A>G on the plus strand (T>C on the coding strand, the complement: MAGEA6 is on the minus strand). VCF-style: chrX-152767342-A-G. GRCh37 (hg19) VCF-style: chrX-151935858-G-G.
Other names: c.309T>C, p.Ser103= (NM_175868.4).
Identifiers: ClinVar variation 3387975 (VCV003387975.9).